The following is an entry in ClinVar:

NM_144666.3(DNHD1):c.6186C>T (p.Ala2062=)

Gene: DNHD1 (dynein heavy chain domain 1; plus strand). Cytogenetic location: 11p15.4.
Variant type: single nucleotide variant.
Coding change: c.6186C>T on transcript NM_144666.3 (MANE Select); coding-DNA position 6186, C replaced by T.
Protein change: p.Ala2062=; no amino-acid change (alanine 2062 retained).
Molecular consequence: synonymous variant.
Genome position (GRCh38, 1-based): chr11:6,547,125, C>T. VCF-style: chr11-6547125-C-T. GRCh37 (hg19) VCF-style: chr11-6568355-C-T.
Identifiers: ClinVar variation 780945 (VCV000780945.6), dbSNP rs112063106, ClinGen allele CA5856115.

ClinVar aggregate classification (germline): Likely benign. Review status: criteria provided, single submitter (1 of 4 stars). 2 submissions from 2 submitters: Likely benign (1). 1 of the submissions does not count toward it. Last evaluated 2019-12-31.

Conditions:
DNHD1-related disorder. Also called: DNHD1-related condition.

Allele frequency attached by ClinVar (database versions not stated): gnomAD exomes 0.00015 and 0.00037; ExAC 0.00041; 1000 Genomes Project 0.00080; ESP Exome Variant Server 0.00088; 1000 Genomes Project 30x 0.00141; gnomAD 0.00145 and 0.00160; TOPMed 0.00156.
gnomAD v4.1: 456 of 1,551,704 alleles (0.029%); highest among the groups gnomAD compares: African/African-American, 0.49%; 2 homozygotes.

Submissions (2):

Labcorp Genetics (formerly Invitae), Labcorp
Classification: Likely benign. Last evaluated: 2019-12-31. Review status: criteria provided, single submitter. Criteria: Invitae Variant Classification Sherloc (09022015). Collection method: clinical testing. Allele origin: germline.

PreventionGenetics, part of Exact Sciences
Classification: Likely benign for DNHD1-related condition. Last evaluated: 2019-08-12. Review status: no assertion criteria provided. Collection method: clinical testing. Allele origin: germline. Not counted in ClinVar's aggregate classification.
Comment: This variant is classified as likely benign based on ACMG/AMP sequence variant interpretation guidelines (Richards et al. 2015 PMID: 25741868, with internal and published modifications).